The following is an entry in ClinVar:

ClinVar aggregate classification (germline): Uncertain significance. Review status: criteria provided, multiple submitters, no conflicts (2 of 4 stars). 3 submissions from 3 submitters: Uncertain significance (3). Last evaluated 2025-08-25.

Conditions:
Inborn genetic diseases. Identifiers: MedGen C0950123, MeSH D030342.
Agenesis of corpus callosum, cardiac, ocular, and genital syndrome. Identifiers: MedGen C5394523, MONDO:0030065, OMIM 618929.

Allele frequency attached by ClinVar (database versions not stated): TOPMed 0.00001; gnomAD 0.00001.
gnomAD v4.1: 4 of 1,613,840 alleles (0.00025%); highest among the groups gnomAD compares: African/African-American, 0.0053%; no homozygotes.

Submissions (3):

Labcorp Genetics (formerly Invitae), Labcorp
Classification: Uncertain significance. Last evaluated: 2025-08-25. Review status: criteria provided, single submitter. Criteria: Invitae Variant Classification Sherloc (09022015). Collection method: clinical testing. Allele origin: germline.
Comment: This sequence change replaces phenylalanine, which is neutral and non-polar, with leucine, which is neutral and non-polar, at codon 835 of the CDH2 protein (p.Phe835Leu). This variant is not present in population databases (gnomAD no frequency). This variant has not been reported in the literature in individuals affected with CDH2-related conditions. ClinVar contains an entry for this variant (Variation ID: 1792304). An algorithm developed to predict the effect of missense changes on protein structure and function (PolyPhen-2) suggests that this variant is likely to be disruptive. In summary, the available evidence is currently insufficient to determine the role of this variant in disease. Therefore, it has been classified as a Variant of Uncertain Significance.

Ambry Genetics
Classification: Uncertain significance for Inborn genetic diseases. Last evaluated: 2024-12-24. Review status: criteria provided, single submitter. Criteria: Ambry Variant Classification Scheme 2023. Collection method: clinical testing. Allele origin: germline.

Baylor Genetics
Classification: Uncertain significance for Agenesis of corpus callosum, cardiac, ocular, and genital syndrome. Last evaluated: 2022-08-29. Review status: criteria provided, single submitter. Criteria: ACMG Guidelines, 2015. Collection method: clinical testing. Allele origin: unknown.

NM_001792.5(CDH2):c.2505C>G (p.Phe835Leu)

Genes: CDH2 (cadherin 2; minus strand), CDH2-AS1 (CDH2 antisense RNA 1; plus strand). Cytogenetic location: 18q12.1.
Variant type: single nucleotide variant.
Coding change: c.2505C>G on transcript NM_001792.5 (MANE Select); coding-DNA position 2505, C replaced by G.
Protein change: p.Phe835Leu; replaces phenylalanine 835 with leucine.
Molecular consequence: missense variant.
Genome position (GRCh38, 1-based): chr18:27,963,366, G>C on the plus strand (C>G on the coding strand, the complement: CDH2 is on the minus strand). VCF-style: chr18-27963366-G-C. GRCh37 (hg19) VCF-style: chr18-25543330-G-C.
Other names: c.2412C>G, p.Phe804Leu (NM_001308176.2); short protein forms F804L, F835L.
Identifiers: ClinVar variation 1792304 (VCV001792304.8), dbSNP rs2011458008, ClinGen allele CA402103806.